The following is an entry in ClinVar:

NM_020822.3(KCNT1):c.1039G>A (p.Glu347Lys)

Gene: KCNT1 (potassium sodium-activated channel subfamily T member 1; plus strand). Cytogenetic location: 9q34.3.
Variant type: single nucleotide variant.
Coding change: c.1039G>A on transcript NM_020822.3 (MANE Select); coding-DNA position 1039, G replaced by A.
Protein change: p.Glu347Lys; replaces glutamic acid 347 with lysine.
Molecular consequence: missense variant.
Genome position (GRCh38, 1-based): chr9:135,765,034, G>A. VCF-style: chr9-135765034-G-A. GRCh37 (hg19) VCF-style: chr9-138656880-G-A.
Other names: c.904G>A, p.Glu302Lys (NM_001272003.2); short protein forms E302K, E347K.
Identifiers: ClinVar variation 1980750 (VCV001980750.4), dbSNP rs913411736, ClinGen allele CA201465084.

ClinVar aggregate classification (germline): Uncertain significance (1 of 4 stars; one submission).

Conditions:
Autosomal dominant nocturnal frontal lobe epilepsy 5. Also called: Epilepsy, nocturnal frontal lobe, 5; CILIARY DYSKINESIA, PRIMARY, 28, WITHOUT SITUS INVERSUS; CILIARY DYSKINESIA, PRIMARY, 28, WITH SITUS INVERSUS; KCNT1-Related Epilepsy. Identifiers: Orphanet 98784, MedGen C3554306, MONDO:0014002, OMIM 615005.
Developmental and epileptic encephalopathy, 14 (DEE14). Also called: Early infantile epileptic encephalopathy 14. Identifiers: Orphanet 293181, MedGen C3554195, MONDO:0013989, OMIM 614959.

Allele frequency attached by ClinVar (database versions not stated): gnomAD 0.00006; gnomAD exomes 0.00001; TOPMed 0.00004.
gnomAD v4.1: 28 of 1,605,424 alleles (0.0017%); highest among the groups gnomAD compares: East Asian, 0.013%; no homozygotes.

Submission:

Labcorp Genetics (formerly Invitae), Labcorp
Classification: Uncertain significance for Autosomal dominant nocturnal frontal lobe epilepsy 5; Developmental and epileptic encephalopathy, 14. Last evaluated: 2024-10-24. Review status: criteria provided, single submitter. Criteria: Invitae Variant Classification Sherloc (09022015). Collection method: clinical testing. Allele origin: germline.
Comment: This sequence change replaces glutamic acid, which is acidic and polar, with lysine, which is basic and polar, at codon 347 of the KCNT1 protein (p.Glu347Lys). This variant is present in population databases (no rsID available, gnomAD 0.002%). This missense change has been observed in individual(s) with early-onset epileptic encephalopathy (PMID: 32613771). ClinVar contains an entry for this variant (Variation ID: 1980750). Invitae Evidence Modeling of protein sequence and biophysical properties (such as structural, functional, and spatial information, amino acid conservation, physicochemical variation, residue mobility, and thermodynamic stability) has been performed for this missense variant. However, the output from this modeling did not meet the statistical confidence thresholds required to predict the impact of this variant on KCNT1 protein function. In summary, the available evidence is currently insufficient to determine the role of this variant in disease. Therefore, it has been classified as a Variant of Uncertain Significance.

Literature cited by the submitters: PubMed 32613771.